The following is an entry in ClinVar:

ClinVar aggregate classification (germline): Likely pathogenic (1 of 4 stars; one submission).

Conditions:
ABCB4-related disorder. Also called: ABCB4-related disorders; ABCB4-related condition.

Submission:

PreventionGenetics, part of Exact Sciences
Classification: Likely pathogenic for ABCB4-related condition. Last evaluated: 2026-09-15. Review status: criteria provided, single submitter. Criteria: ACMG Guidelines, 2015. Collection method: clinical testing. Allele origin: germline.
Comment: The ABCB4 c.2661delA variant is predicted to result in a frameshift and premature protein termination (p.Glu888Asnfs*13). To our knowledge, this variant has not been reported in the literature. This variant is reported in 0.00088% of alleles in individuals of European (Non-Finnish) descent in gnomAD. Frameshift variants in ABCB4 are expected to be pathogenic. This variant is interpreted as likely pathogenic.

NM_000443.4(ABCB4):c.2661del (p.Glu888fs)

Gene: ABCB4 (ATP binding cassette subfamily B member 4; minus strand). Cytogenetic location: 7q21.12.
Variant type: Deletion.
Coding change: c.2661del on transcript NM_000443.4 (MANE Select); coding-DNA position 2661, one base deleted (A; older notation c.2661delA).
Protein change: p.Glu888fs; shifts the reading frame from glutamic acid 888.
Molecular consequence: frameshift variant.
Genome position (GRCh38, 1-based): chr7:87,417,333, T deleted on the plus strand (A on the coding strand, the reverse complement: ABCB4 is on the minus strand); the first of 6 consecutive T bases (chr7:87,417,333-87,417,338); deleting any one gives the same sequence. VCF-style (leftmost placement, unchanged base first): chr7-87417332-CT-C. GRCh37 (hg19) VCF-style: chr7-87046648-CT-C.
Other names: c.2661del, p.Glu888fs (NM_018849.3, NM_018850.3); short protein forms E888fs.
Identifiers: ClinVar variation 4992359 (VCV004992359.1).